The following is an entry in ClinVar:

NM_020320.5(RARS2):c.1035+10C>T

Gene: RARS2 (arginyl-tRNA synthetase 2, mitochondrial; minus strand). Cytogenetic location: 6q15.
Variant type: single nucleotide variant.
Coding change: c.1035+10C>T on transcript NM_020320.5 (MANE Select); 10 bases into the intron after coding-DNA position 1035, C replaced by T.
Molecular consequence: intron variant.
Genome position (GRCh38, 1-based): chr6:87,521,454, G>A on the plus strand (C>T on the coding strand, the complement: RARS2 is on the minus strand). VCF-style: chr6-87521454-G-A. GRCh37 (hg19) VCF-style: chr6-88231172-G-A.
Other names: c.1035+10C>T (NM_001350505.2, NM_020320.4); c.510+10C>T (NM_001350509.2, NM_001318785.2, NM_001350506.2 and 4 more transcripts).
Identifiers: ClinVar variation 1094539 (VCV001094539.11), dbSNP rs769177717, ClinGen allele CA568699416.

ClinVar aggregate classification (germline): Likely benign. Review status: criteria provided, single submitter (1 of 4 stars). 2 submissions from 2 submitters: Likely benign (1). 1 of the submissions does not count toward it. Last evaluated 2023-12-06.

Conditions:
RARS2-related disorder. Also called: RARS2-related condition.

gnomAD v4.1: 11 of 1,582,868 alleles (0.00069%); highest among the groups gnomAD compares: South Asian, 0.0011%; no homozygotes.

Submissions (2):

Labcorp Genetics (formerly Invitae), Labcorp
Classification: Likely benign. Last evaluated: 2023-12-06. Review status: criteria provided, single submitter. Criteria: Invitae Variant Classification Sherloc (09022015). Collection method: clinical testing. Allele origin: germline.

PreventionGenetics, part of Exact Sciences
Classification: Likely benign for RARS2-related condition. Last evaluated: 2020-05-11. Review status: no assertion criteria provided. Collection method: clinical testing. Allele origin: germline. Not counted in ClinVar's aggregate classification.
Comment: This variant is classified as likely benign based on ACMG/AMP sequence variant interpretation guidelines (Richards et al. 2015 PMID: 25741868, with internal and published modifications).